The following is an entry in ClinVar:

ClinVar aggregate classification (germline): Uncertain significance (1 of 4 stars; one submission).

Submission:

Greenwood Genetic Center Diagnostic Laboratories, Greenwood Genetic Center
Classification: Uncertain significance. Last evaluated: 2023-07-20. Review status: criteria provided, single submitter. Criteria: ACMG Guidelines, 2015. Collection method: clinical testing. Allele origin: germline. Affected: yes.
Comment: Gene of Uncertain Significance

NM_001093725.2(MEX3A):c.1A>C (p.Met1Leu)

Gene: MEX3A (mex-3 RNA binding family member A; minus strand). Cytogenetic location: 1q22.
Variant type: single nucleotide variant.
Coding change: c.1A>C on transcript NM_001093725.2 (MANE Select); coding-DNA position 1, A replaced by C.
Protein change: p.Met1Leu; changes the start codon (methionine 1).
Molecular consequence: missense variant, initiator codon variant.
Genome position (GRCh38, 1-based): chr1:156,081,998, T>G on the plus strand (A>C on the coding strand, the complement: MEX3A is on the minus strand). VCF-style: chr1-156081998-T-G. GRCh37 (hg19) VCF-style: chr1-156051789-T-G.
Other names: short protein forms M1L.
Identifiers: ClinVar variation 2626991 (VCV002626991.1), dbSNP rs2527740514, ClinGen allele CA342832501.